The following is an entry in ClinVar:

NM_181783.4(TMTC3):c.1051-6_1051-5dup

Gene: TMTC3 (transmembrane O-mannosyltransferase targeting cadherins 3; plus strand). Cytogenetic location: 12q21.32.
Variant type: Duplication.
Coding change: c.1051-6_1051-5dup on transcript NM_181783.4 (MANE Select); 6 bases into the intron before coding-DNA position 1051 through 5 bases into the intron before coding-DNA position 1051, 2 bases duplicated (TT; older notation c.1051-6_1051-5dupTT).
Molecular consequence: intron variant.
Genome position (GRCh38, 1-based): chr12:88,172,591-88,172,592, TT duplicated; duplicating any 2 consecutive bases within chr12:88,172,582-88,172,592 gives the same sequence; the c. name uses the placement nearest the transcript's 3' end. VCF-style (leftmost placement, unchanged base first): chr12-88172581-C-CTT. GRCh37 (hg19) VCF-style: chr12-88566358-C-CTT.
Other names: c.832-6_832-5dup (NM_001366579.1); c.871-6_871-5dup (NM_001366574.1); c.784-6_784-5dup (NM_001366580.1); c.358-6_358-5dup (NM_001366583.1); c.1051-6_1051-5dupTT (NM_181783.3).
Identifiers: ClinVar variation 1902919 (VCV001902919.7), dbSNP rs374120006, ClinGen allele CA6713193.

ClinVar aggregate classification (germline): Benign. Review status: criteria provided, single submitter (1 of 4 stars). 2 submissions from 2 submitters: Benign (1). 1 of the submissions does not count toward it. Last evaluated 2022-11-28.

Conditions:
TMTC3-related disorder. Also called: TMTC3-related condition.

Submissions (2):

Labcorp Genetics (formerly Invitae), Labcorp
Classification: Benign. Last evaluated: 2022-11-28. Review status: criteria provided, single submitter. Criteria: Invitae Variant Classification Sherloc (09022015). Collection method: clinical testing. Allele origin: germline.

PreventionGenetics, part of Exact Sciences
Classification: Likely benign for TMTC3-related condition. Last evaluated: 2022-10-25. Review status: no assertion criteria provided. Collection method: clinical testing. Allele origin: germline. Not counted in ClinVar's aggregate classification.
Comment: This variant is classified as likely benign based on ACMG/AMP sequence variant interpretation guidelines (Richards et al. 2015 PMID: 25741868, with internal and published modifications).